The following is an entry in ClinVar:

ClinVar aggregate classification (germline): Uncertain significance (1 of 4 stars; one submission).

Conditions:
Cardiomyopathy (CMYO). Also called: Cardiomyopathies. Identifiers: Orphanet 167848, MedGen C0878544, MONDO:0004994, HP:0001638. Inheritance: Various modes of inheritance.

Submission:

Color Diagnostics, LLC DBA Color Health
Classification: Uncertain significance for Cardiomyopathy. Last evaluated: 2023-12-05. Review status: criteria provided, single submitter. Criteria: ACMG Guidelines, 2015. Collection method: clinical testing. Allele origin: germline.
Comment: Variant of Uncertain Significance due to insufficient evidence: This missense variant replaces cysteine with tyrosine at codon 24 of the RYR2 protein. Computational prediction tools and conservation analyses suggest that this variant may have deleterious impact on the protein function. Computational splicing tools suggest that this variant may not impact RNA splicing. To our knowledge, functional assays have not been performed for this variant nor has this variant been reported in individuals affected with cardiovascular disorders in the literature. This variant is rare in the general population and has been identified in 0/277264 chromosomes by the Genome Aggregation Database (gnomAD). Available evidence is insufficient to determine the role of this variant in disease conclusively.

NM_001035.3(RYR2):c.71G>A (p.Cys24Tyr)

Gene: RYR2 (ryanodine receptor 2; plus strand). Cytogenetic location: 1q43.
Variant type: single nucleotide variant.
Coding change: c.71G>A on transcript NM_001035.3 (MANE Select); coding-DNA position 71, G replaced by A.
Protein change: p.Cys24Tyr; replaces cysteine 24 with tyrosine.
Molecular consequence: missense variant.
Genome position (GRCh38, 1-based): chr1:237,270,519, G>A. VCF-style: chr1-237270519-G-A. GRCh37 (hg19) VCF-style: chr1-237433819-G-A.
Other names: short protein forms C24Y.
Identifiers: ClinVar variation 927605 (VCV000927605.5), dbSNP rs1487597802, ClinGen allele CA345654305.